The following is an entry in ClinVar:

NM_002633.3(PGM1):c.246+239C>G

Genes: PGM1 (phosphoglucomutase 1; plus strand), LOC129930669 (ATAC-STARR-seq lymphoblastoid silent region 951; plus strand). Cytogenetic location: 1p31.3.
Variant type: single nucleotide variant.
Coding change: c.246+239C>G on transcript NM_002633.3 (MANE Select); 239 bases into the intron after coding-DNA position 246, C replaced by G.
Molecular consequence: intron variant. On other transcripts: 5 prime UTR variant (1).
Genome position (GRCh38, 1-based): chr1:63,593,973, C>G. VCF-style: chr1-63593973-C-G. GRCh37 (hg19) VCF-style: chr1-64059644-C-G.
Other names: c.-517C>G (NM_001172819.2).
Identifiers: ClinVar variation 676174 (VCV000676174.2), dbSNP rs217490, ClinGen allele CA10808210.

ClinVar aggregate classification (germline): Benign. Review status: criteria provided, multiple submitters, no conflicts (2 of 4 stars). 2 submissions from 2 submitters: Benign (2). Last evaluated 2018-06-14.

Allele frequency attached by ClinVar (database versions not stated): gnomAD 0.75668 and 0.76055; TOPMed 0.77306; 1000 Genomes Project 0.83187; 1000 Genomes Project 30x 0.83432.
gnomAD v4.1: 841,252 of 1,182,968 alleles (71%); highest among the groups gnomAD compares: African/African-American, 88%; 301,032 homozygotes.

Submissions (2):

GeneDx
Classification: Benign. Last evaluated: 2018-06-14. Review status: criteria provided, single submitter. Criteria: GeneDx Variant Classification (06012015). Collection method: clinical testing. Allele origin: germline. Affected: yes.
Comment: This variant is considered likely benign or benign based on one or more of the following criteria: it is a conservative change, it occurs at a poorly conserved position in the protein, it is predicted to be benign by multiple in silico algorithms, and/or has population frequency not consistent with disease.

Breakthrough Genomics
Classification: Benign. Review status: criteria provided, single submitter. Criteria: ACMG Guidelines, 2015. Collection method: not provided. Allele origin: germline. Inheritance: Autosomal recessive inheritance. Affected: yes.